The following is an entry in ClinVar:

NM_024665.7(TBL1XR1):c.1141G>C (p.Asp381His)

Gene: TBL1XR1 (TBL1X/Y related 1; minus strand). Cytogenetic location: 3q26.32.
Variant type: single nucleotide variant.
Coding change: c.1141G>C on transcript NM_024665.7 (MANE Select); coding-DNA position 1141, G replaced by C.
Protein change: p.Asp381His; replaces aspartic acid 381 with histidine.
Molecular consequence: missense variant.
Genome position (GRCh38, 1-based): chr3:177,034,307, C>G on the plus strand (G>C on the coding strand, the complement: TBL1XR1 is on the minus strand). VCF-style: chr3-177034307-C-G. GRCh37 (hg19) VCF-style: chr3-176752095-C-G.
Other names: c.1141G>C, p.Asp381His (NM_001321193.3, NM_001321194.3, NM_001374327.1 and 2 more transcripts); c.880G>C, p.Asp294His (NM_001321195.3, NM_001374330.1); short protein forms D294H, D381H.
Identifiers: ClinVar variation 4072774 (VCV004072774.1).

ClinVar aggregate classification (germline): Uncertain significance (1 of 4 stars; one submission).

Submission:

GeneDx
Classification: Uncertain significance. Last evaluated: 2025-01-30. Review status: criteria provided, single submitter. Criteria: GeneDx Variant Classification Process June 2021. Collection method: clinical testing. Allele origin: germline. Affected: yes.
Comment: Not observed at significant frequency in large population cohorts (gnomAD); In silico analysis supports that this missense variant has a deleterious effect on protein structure/function; Has not been previously published as pathogenic or benign to our knowledge